The following is an entry in ClinVar:

ClinVar aggregate classification (germline): Pathogenic. Review status: reviewed by expert panel (3 of 4 stars). 3 submissions from 3 submitters: Pathogenic (1). 2 of the submissions do not count toward it. Last evaluated 2017-12-15.

Conditions:
Breast-ovarian cancer, familial, susceptibility to, 1 (BROVCA1). Also called: BRCA1 Hereditary Breast and Ovarian Cancer; OVARIAN CANCER, SUSCEPTIBILITY TO. Identifiers: Orphanet 145, MedGen C2676676, MONDO:0011450, OMIM 604370. Disease mechanism: loss of function.
Hereditary cancer-predisposing syndrome. Also called: Tumor predisposition; Neoplastic Syndromes, Hereditary; Hereditary Cancer Syndrome; Hereditary neoplastic syndrome. Identifiers: Orphanet 140162, MedGen C0027672, MeSH D009386, MONDO:0015356.
Hereditary breast ovarian cancer syndrome. Also called: Hereditary breast and ovarian cancer; Hereditary breast and ovarian cancer syndrome; Hereditary breast and ovarian cancer syndrome (HBOC); Breast and ovarian cancer; BRCA1- and BRCA2-Associated Hereditary Breast and Ovarian Cancer; Hereditary breast and/or ovarian cancer syndrome. Identifiers: Orphanet 145, MedGen C0677776, MeSH D061325, MONDO:0003582. Disease mechanism: loss of function.

Submissions (3):

Evidence-based Network for the Interpretation of Germline Mutant Alleles (ENIGMA)
Classification: Pathogenic for Breast-ovarian cancer, familial, susceptibility to, 1. Last evaluated: 2017-12-15. Review status: reviewed by expert panel. Criteria: ENIGMA BRCA1/2 Classification Criteria (2017-06-29). Collection method: curation. Allele origin: germline. Study: ENIGMA.
Comment: Variant allele predicted to encode a truncated non-functional protein.

Ambry Genetics
Classification: Pathogenic for Hereditary cancer-predisposing syndrome. Last evaluated: 2023-05-05. Review status: criteria provided, single submitter. Criteria: Ambry Variant Classification Scheme 2023. Collection method: clinical testing. Allele origin: germline. Not counted in ClinVar's aggregate classification.
Comment: The c.4266delG pathogenic mutation, located in coding exon 11 of the BRCA1 gene, results from a deletion of one nucleotide at nucleotide position 4266, causing a translational frameshift with a predicted alternate stop codon (p.S1423Afs*11). This variant is considered to be rare based on population cohorts in the Genome Aggregation Database (gnomAD). This alteration is expected to result in loss of function by premature protein truncation or nonsense-mediated mRNA decay. As such, this alteration is interpreted as a disease-causing mutation.

Labcorp Genetics (formerly Invitae), Labcorp
Classification: Pathogenic for Hereditary breast ovarian cancer syndrome. Last evaluated: 2022-09-21. Review status: criteria provided, single submitter. Criteria: Invitae Variant Classification Sherloc (09022015). Collection method: clinical testing. Allele origin: germline. Not counted in ClinVar's aggregate classification.
Comment: This variant is not present in population databases (gnomAD no frequency). For these reasons, this variant has been classified as Pathogenic. ClinVar contains an entry for this variant (Variation ID: 548196). This variant has not been reported in the literature in individuals affected with BRCA1-related conditions. This sequence change creates a premature translational stop signal (p.Ser1423Alafs*11) in the BRCA1 gene. It is expected to result in an absent or disrupted protein product. Loss-of-function variants in BRCA1 are known to be pathogenic (PMID: 20104584).

Literature cited by the submitters: PubMed 20104584 (cited by Labcorp Genetics (formerly Invitae), Labcorp).

NM_007294.4(BRCA1):c.4266del (p.Ser1423fs)

Gene: BRCA1 (BRCA1 DNA repair associated; minus strand). Cytogenetic location: 17q21.31.
Variant type: Deletion.
Coding change: c.4266del on transcript NM_007294.4 (MANE Select); coding-DNA position 4266, one base deleted (G; older notation c.4266delG).
Protein change: p.Ser1423fs; shifts the reading frame from serine 1423.
Molecular consequence: frameshift variant. On other transcripts: non-coding transcript variant (1).
Genome position (GRCh38, 1-based): chr17:43,082,495, C deleted on the plus strand (G on the coding strand, the reverse complement: BRCA1 is on the minus strand); the first of 3 consecutive C bases (chr17:43,082,495-43,082,497); deleting any one gives the same sequence. VCF-style (leftmost placement, unchanged base first): chr17-43082494-TC-T. GRCh37 (hg19) VCF-style: chr17-41234511-TC-T.
Other names: c.4266delG (NM_007294.3); c.4264delG, p.Ser1423Alafs (NM_001407618.1, NM_001407619.1, NM_001407620.1 and 22 more transcripts); c.4261delG, p.Ser1422Alafs (NM_001407624.1, NM_001407625.1, NM_001407626.1 and 21 more transcripts); c.4258delG, p.Ser1421Alafs (NM_001407627.1, NM_001407628.1, NM_001407629.1 and 5 more transcripts); c.4252delG, p.Ser1419Alafs (NM_001407646.1, NM_001407647.1); c.4141delG, p.Ser1382Alafs (NM_001407648.1, NM_001407664.1, NM_001407665.1 and 13 more transcripts); c.4138delG, p.Ser1381Alafs (NM_001407649.1, NM_001407670.1, NM_001407671.1 and 12 more transcripts); c.4186delG, p.Ser1397Alafs (NM_001407653.1, NM_001407654.1, NM_001407655.1 and 2 more transcripts); and 55 more; short protein forms S1376fs, S1423fs, S320fs.
Identifiers: ClinVar variation 548196 (VCV000548196.9), dbSNP rs397509158, ClinGen allele CA658825020.
Genomic context (GRCh38, chr17:43,082,494, plus strand): 5'-GCAGGTCCTCAAGGGCAGAAGAGTCACTTATGATGGAAGGGTAGCTGTTAGAAGGCTGGC[TC>T]CCATGCTGTTCTAACACAGCTTCTAGTTCAGCCATTTCCTGCTGGAGCTTTATCAGGTTA-3'